The following is an entry in ClinVar:

ClinVar aggregate classification (germline): Likely pathogenic. Review status: criteria provided, multiple submitters, no conflicts (2 of 4 stars). 2 submissions from 2 submitters: Likely pathogenic (2). Last evaluated 2024-03-01.

Conditions:
Infantile liver failure syndrome 2 (ILFS2). Identifiers: MedGen C3809651, MONDO:0014659, OMIM 616483.
Short stature-optic atrophy-Pelger-Huët anomaly syndrome. Also called: Short stature-optic atrophy-Pelger-HuC+t anomaly syndrome; Short stature, optic nerve atrophy, and Pelger-Huet anomaly. Identifiers: Orphanet 391677, MedGen C3541319, MONDO:0013889, OMIM 614800.

Allele frequency attached by ClinVar (database versions not stated): gnomAD 0.00001.
gnomAD v4.1: 1 of 1,609,634 alleles (0.000062%); highest among the groups gnomAD compares: African/African-American, 0.0013%; no homozygotes.

Submissions (2):

Fulgent Genetics
Classification: Likely pathogenic for Short stature-optic atrophy-Pelger-Huët anomaly syndrome; Infantile liver failure syndrome 2. Last evaluated: 2024-03-01. Review status: criteria provided, single submitter. Criteria: ACMG Guidelines, 2015. Collection method: clinical testing. Allele origin: germline.

Labcorp Genetics (formerly Invitae), Labcorp
Classification: Likely pathogenic. Last evaluated: 2023-11-18. Review status: criteria provided, single submitter. Criteria: Invitae Variant Classification Sherloc (09022015). Collection method: clinical testing. Allele origin: germline.
Comment: This sequence change affects an acceptor splice site in intron 38 of the NBAS gene. It is expected to disrupt RNA splicing. Variants that disrupt the donor or acceptor splice site typically lead to a loss of protein function (PMID: 16199547), and loss-of-function variants in NBAS are known to be pathogenic (PMID: 26073778, 26541327, 27789416, 28031453). This variant is not present in population databases (gnomAD no frequency). This variant has not been reported in the literature in individuals affected with NBAS-related conditions. Algorithms developed to predict the effect of sequence changes on RNA splicing suggest that this variant may disrupt the consensus splice site. In summary, the currently available evidence indicates that the variant is pathogenic, but additional data are needed to prove that conclusively. Therefore, this variant has been classified as Likely Pathogenic.

Literature cited by the submitters: PubMed 16199547 (cited by Labcorp Genetics (formerly Invitae), Labcorp); PubMed 26073778 (cited by Labcorp Genetics (formerly Invitae), Labcorp); PubMed 26541327 (cited by Labcorp Genetics (formerly Invitae), Labcorp); PubMed 27789416 (cited by Labcorp Genetics (formerly Invitae), Labcorp); PubMed 28031453 (cited by Labcorp Genetics (formerly Invitae), Labcorp).

NM_015909.4(NBAS):c.4583-2A>G

Gene: NBAS (NBAS subunit of NRZ tethering complex; minus strand). Cytogenetic location: 2p24.3.
Variant type: single nucleotide variant.
Coding change: c.4583-2A>G on transcript NM_015909.4 (MANE Select); the canonical splice acceptor site of the intron before coding-DNA position 4583, A replaced by G.
Molecular consequence: splice acceptor variant.
Genome position (GRCh38, 1-based): chr2:15,309,249, T>C on the plus strand (A>G on the coding strand, the complement: NBAS is on the minus strand). VCF-style: chr2-15309249-T-C. GRCh37 (hg19) VCF-style: chr2-15449373-T-C.
Identifiers: ClinVar variation 2697020 (VCV002697020.4), dbSNP rs1671171740, ClinGen allele CA345893810.